The following is an entry in ClinVar:

NM_015981.4(CAMK2A):c.706G>A (p.Glu236Lys)

Gene: CAMK2A (calcium/calmodulin dependent protein kinase II alpha; minus strand). Cytogenetic location: 5q32.
Variant type: single nucleotide variant.
Coding change: c.706G>A on transcript NM_015981.4 (MANE Select); coding-DNA position 706, G replaced by A.
Protein change: p.Glu236Lys; replaces glutamic acid 236 with lysine.
Molecular consequence: missense variant.
Genome position (GRCh38, 1-based): chr5:150,250,798, C>T on the plus strand (G>A on the coding strand, the complement: CAMK2A is on the minus strand). VCF-style: chr5-150250798-C-T. GRCh37 (hg19) VCF-style: chr5-149630361-C-T.
Other names: c.706G>A, p.Glu236Lys (NM_001363989.1, NM_001363990.1, NM_001369025.2 and 1 more transcripts); short protein forms E236K.
Identifiers: ClinVar variation 4532517 (VCV004532517.1).
Genomic context (GRCh38, chr5:150,250,798, plus strand): 5'-GGTTAATGGTCAGCATCTTATTGATCAGATCCTTGGCTTCCGGGGTGACAGTGTCCCATT[C>T]CGGCGATGGGAACTGGAAGGGGCAGAGAGGCCAGGTTTGCCCAGCCTGCCCCAGGCCACC-3'
Protein context (NP_057065.2, residues 226-246): KAGAYDFPSP[Glu236Lys]WDTVTPEAKD

ClinVar aggregate classification (germline): Uncertain significance (1 of 4 stars; one submission).

Submission:

GeneDx
Classification: Uncertain significance. Last evaluated: 2025-05-28. Review status: criteria provided, single submitter. Criteria: GeneDx Variant Classification Process June 2021. Collection method: clinical testing. Allele origin: germline. Affected: yes.
Comment: Not observed at significant frequency in large population cohorts (gnomAD); In silico analysis supports that this missense variant has a deleterious effect on protein structure/function; Has not been previously published as pathogenic or benign to our knowledge